The following is an entry in ClinVar:

NM_001018115.3(FANCD2):c.1279-2A>G

Genes: FANCD2 (FA complementation group D2; plus strand), LOC107303338 (3p25 FANCD2 Alu-mediated recombination region; plus strand). Cytogenetic location: 3p25.3.
Variant type: single nucleotide variant.
Coding change: c.1279-2A>G on transcript NM_001018115.3 (MANE Select); the canonical splice acceptor site of the intron before coding-DNA position 1279, A replaced by G.
Molecular consequence: splice acceptor variant.
Genome position (GRCh38, 1-based): chr3:10,047,915, A>G. VCF-style: chr3-10047915-A-G. GRCh37 (hg19) VCF-style: chr3-10089599-A-G.
Other names: c.1279-2A>G (NM_001319984.2, NM_001374253.1, NM_033084.6 and 1 more transcripts).
Identifiers: ClinVar variation 1179148 (VCV001179148.6), dbSNP rs748006255, ClinGen allele CA2249595.

ClinVar aggregate classification (germline): Likely pathogenic. Review status: criteria provided, multiple submitters, no conflicts (2 of 4 stars). 4 submissions from 4 submitters: Likely pathogenic (4). Last evaluated 2026-05-26.

Conditions:
Fanconi anemia complementation group D2. Also called: FANCD2-Related Fanconi Anemia; FANCONI PANCYTOPENIA, TYPE 4; FANCONI ANEMIA, COMPLEMENTATION GROUP D. Identifiers: Orphanet 84, MedGen C3160738, MONDO:0009214, OMIM 227646.
FANCD2-related disorders.

Allele frequency attached by ClinVar (database versions not stated): ExAC 0.00007; gnomAD 0.00007 and 0.00008.

Submissions (4):

GeneDx
Classification: Likely pathogenic. Last evaluated: 2026-05-26. Review status: criteria provided, single submitter. Criteria: GeneDx Variant Classification Process June 2021. Collection method: clinical testing. Allele origin: germline.
Comment: Identified in an individual with a history of breast and/or ovarian cancer, but additional clinical information was not included (PMID: 27153395); Canonical splice site variant predicted to result in an in-frame loss of the adjacent exon in a gene for which loss of function is a known mechanism of disease; This variant is associated with the following publications: (PMID: 27153395)

Baylor Genetics
Classification: Likely pathogenic for Fanconi anemia complementation group D2. Last evaluated: 2024-02-21. Review status: criteria provided, single submitter. Criteria: ACMG Guidelines, 2015. Collection method: clinical testing. Allele origin: unknown.

Blueprint Genetics
Classification: Likely pathogenic for FANCD2-related disorders. Last evaluated: 2022-04-20. Review status: criteria provided, single submitter. Criteria: ACMG Guidelines, 2015. Collection method: clinical testing. Allele origin: germline. Affected: yes. Observed: 1 variant allele.

Fulgent Genetics
Classification: Likely pathogenic for Fanconi anemia complementation group D2. Last evaluated: 2021-06-30. Review status: criteria provided, single submitter. Criteria: ACMG Guidelines, 2015. Collection method: clinical testing. Allele origin: unknown.
Comment: This variant has been detected in individual(s) who were sent for testing of Renasight - kidney gene panel.